The following is an entry in ClinVar:

NM_024408.4(NOTCH2):c.4692C>G (p.Ser1564Arg)

Gene: NOTCH2 (notch receptor 2; minus strand). Cytogenetic location: 1p12.
Variant type: single nucleotide variant.
Coding change: c.4692C>G on transcript NM_024408.4 (MANE Select); coding-DNA position 4692, C replaced by G.
Protein change: p.Ser1564Arg; replaces serine 1564 with arginine.
Molecular consequence: missense variant.
Genome position (GRCh38, 1-based): chr1:119,923,804, G>C on the plus strand (C>G on the coding strand, the complement: NOTCH2 is on the minus strand). VCF-style: chr1-119923804-G-C. GRCh37 (hg19) VCF-style: chr1-120466427-G-C.
Other names: c.4692C>G (NM_024408.3); short protein forms S1564R.
Identifiers: ClinVar variation 806200 (VCV000806200.49), dbSNP rs774541297, ClinGen allele CA1039817.

ClinVar aggregate classification (germline): Uncertain significance. Review status: criteria provided, multiple submitters, no conflicts (2 of 4 stars). 6 submissions from 6 submitters: Uncertain significance (6). Last evaluated 2026-08-02.

Conditions:
NOTCH2-related disorder. Also called: NOTCH2-related condition.
Inborn genetic diseases. Identifiers: MedGen C0950123, MeSH D030342.
Alagille syndrome due to a NOTCH2 point mutation. Also called: Alagille syndrome 2. Identifiers: Orphanet 261629, Orphanet 52, MedGen C1857761, MONDO:0012439, OMIM 610205.
Hajdu-Cheney syndrome (HJCYS). Also called: Acroosteolysis dominant type; ACROOSTEOLYSIS WITH OSTEOPOROSIS AND CHANGES IN SKULL AND MANDIBLE; SERPENTINE FIBULA-POLYCYSTIC KIDNEY SYNDROME. Identifiers: Orphanet 955, MedGen C0917715, MONDO:0007057, OMIM 102500.

Allele frequency attached by ClinVar (database versions not stated): TOPMed 0.00003; gnomAD exomes 0.00004.
gnomAD v4.1: 70 of 1,614,064 alleles (0.0043%); highest among the groups gnomAD compares: Non-Finnish European, 0.0057%; no homozygotes.

Submissions (6):

PreventionGenetics, part of Exact Sciences
Classification: Uncertain significance for NOTCH2-related condition. Last evaluated: 2026-08-02. Review status: criteria provided, single submitter. Criteria: ACMG Guidelines, 2015. Collection method: clinical testing. Allele origin: germline.
Comment: The NOTCH2 c.4692C>G variant is predicted to result in the amino acid substitution p.Ser1564Arg. To our knowledge, this variant has not been reported in the literature. This variant is reported in 0.0018% of alleles in individuals of European (Non-Finnish) descent in gnomAD. At this time, the clinical significance of this variant is uncertain due to the absence of conclusive functional and genetic evidence.

Labcorp Genetics (formerly Invitae), Labcorp
Classification: Uncertain significance for Hajdu-Cheney syndrome. Last evaluated: 2025-10-20. Review status: criteria provided, single submitter. Criteria: Invitae Variant Classification Sherloc (09022015). Collection method: clinical testing. Allele origin: germline.
Comment: This sequence change replaces serine, which is neutral and polar, with arginine, which is basic and polar, at codon 1564 of the NOTCH2 protein (p.Ser1564Arg). This variant is present in population databases (rs774541297, gnomAD 0.002%). This variant has not been reported in the literature in individuals affected with NOTCH2-related conditions. ClinVar contains an entry for this variant (Variation ID: 806200). Invitae Evidence Modeling of protein sequence and biophysical properties (such as structural, functional, and spatial information, amino acid conservation, physicochemical variation, residue mobility, and thermodynamic stability) indicates that this missense variant is not expected to disrupt NOTCH2 protein function with a negative predictive value of 80%. In summary, the available evidence is currently insufficient to determine the role of this variant in disease. Therefore, it has been classified as a Variant of Uncertain Significance.

Ambry Genetics
Classification: Uncertain significance for Inborn genetic diseases. Last evaluated: 2024-10-19. Review status: criteria provided, single submitter. Criteria: Ambry Variant Classification Scheme 2023. Collection method: clinical testing. Allele origin: germline.

Fulgent Genetics
Classification: Uncertain significance for Hajdu-Cheney syndrome; Alagille syndrome due to a NOTCH2 point mutation. Last evaluated: 2021-09-20. Review status: criteria provided, single submitter. Criteria: ACMG Guidelines, 2015. Collection method: clinical testing. Allele origin: unknown.

Blueprint Genetics
Classification: Uncertain significance. Last evaluated: 2021-08-27. Review status: criteria provided, single submitter. Criteria: ACMG Guidelines, 2015. Collection method: clinical testing. Allele origin: germline.

CeGaT Center for Human Genetics Tuebingen
Classification: Uncertain significance. Last evaluated: 2019-03-01. Review status: criteria provided, single submitter. Criteria: CeGaT Center For Human Genetics Tuebingen Variant Classification Criteria Version 2. Collection method: clinical testing. Allele origin: germline. Affected: yes. Observed: 1 variant allele.